The following is an entry in ClinVar:

ClinVar aggregate classification (germline): Uncertain significance (1 of 4 stars; one submission).

Conditions:
Arrhythmogenic right ventricular dysplasia 10. Also called: Arrhythmogenic Right Ventricular Dysplasia/Cardiomyopathy10; ARRHYTHMOGENIC RIGHT VENTRICULAR DYSPLASIA, FAMILIAL, 10; Arrhythmogenic right ventricular dysplasia/cardiomyopathy, type 10. Identifiers: MedGen C1857777, MONDO:0012434, OMIM 610193.

Allele frequency attached by ClinVar (database versions not stated): gnomAD exomes 0.00001.
gnomAD v4.1: 5 of 1,614,072 alleles (0.00031%); highest among the groups gnomAD compares: Non-Finnish European, 0.00042%; no homozygotes.

Submission:

Labcorp Genetics (formerly Invitae), Labcorp
Classification: Uncertain significance for Arrhythmogenic right ventricular dysplasia 10. Last evaluated: 2023-05-22. Review status: criteria provided, single submitter. Criteria: Invitae Variant Classification Sherloc (09022015). Collection method: clinical testing. Allele origin: germline.
Comment: In summary, the available evidence is currently insufficient to determine the role of this variant in disease. Therefore, it has been classified as a Variant of Uncertain Significance. Advanced modeling of protein sequence and biophysical properties (such as structural, functional, and spatial information, amino acid conservation, physicochemical variation, residue mobility, and thermodynamic stability) performed at Invitae indicates that this missense variant is not expected to disrupt DSG2 protein function. ClinVar contains an entry for this variant (Variation ID: 1381916). This variant has not been reported in the literature in individuals affected with DSG2-related conditions. This variant is not present in population databases (gnomAD no frequency). This sequence change replaces methionine, which is neutral and non-polar, with threonine, which is neutral and polar, at codon 280 of the DSG2 protein (p.Met280Thr).

NM_001943.5(DSG2):c.839T>C (p.Met280Thr)

Gene: DSG2 (desmoglein 2; plus strand). Cytogenetic location: 18q12.1.
Variant type: single nucleotide variant.
Coding change: c.839T>C on transcript NM_001943.5 (MANE Select); coding-DNA position 839, T replaced by C.
Protein change: p.Met280Thr; replaces methionine 280 with threonine.
Molecular consequence: missense variant.
Genome position (GRCh38, 1-based): chr18:31,524,713, T>C. VCF-style: chr18-31524713-T-C. GRCh37 (hg19) VCF-style: chr18-29104676-T-C.
Other names: short protein forms M280T.
Identifiers: ClinVar variation 1381916 (VCV001381916.8), dbSNP rs1002445324, ClinGen allele CA297732071.